The following is an entry in ClinVar:

ClinVar aggregate classification (germline): Uncertain significance (1 of 4 stars; one submission).

Submission:

GeneDx
Classification: Uncertain significance. Last evaluated: 2024-04-30. Review status: criteria provided, single submitter. Criteria: GeneDx Variant Classification Process June 2021. Collection method: clinical testing. Allele origin: germline. Affected: yes.
Comment: Not observed at significant frequency in large population cohorts (gnomAD); In silico analysis supports that this missense variant has a deleterious effect on protein structure/function; Has not been previously published as pathogenic or benign to our knowledge

NM_001114748.2(TMEM240):c.390G>T (p.Trp130Cys)

Gene: TMEM240 (transmembrane protein 240; minus strand). Cytogenetic location: 1p36.33.
Variant type: single nucleotide variant.
Coding change: c.390G>T on transcript NM_001114748.2 (MANE Select); coding-DNA position 390, G replaced by T.
Protein change: p.Trp130Cys; replaces tryptophan 130 with cysteine.
Molecular consequence: missense variant.
Genome position (GRCh38, 1-based): chr1:1,535,491, C>A on the plus strand (G>T on the coding strand, the complement: TMEM240 is on the minus strand). VCF-style: chr1-1535491-C-A. GRCh37 (hg19) VCF-style: chr1-1470871-C-A.
Other names: short protein forms W130C.
Identifiers: ClinVar variation 3373221 (VCV003373221.1).
Genomic context (GRCh38, chr1:1,535,491, plus strand): 5'-CTCCTCGAAGGGCCTGTGCGGCCGCCGGCCCAGCTCCCGCAGGCTGCACAGCTTGGGCAG[C>A]CAGGTCCACGAGCCATCTGCGGGGGGACAGGGGCGGTCAGGCGGCTGGGGCCGGCCAGGG-3'
Protein context (NP_001108220.1, residues 120-140): AGRRYDGSWT[Trp130Cys]LPKLCSLREL